The following is an entry in ClinVar:

ClinVar aggregate classification (germline): Benign. Review status: criteria provided, multiple submitters, no conflicts (2 of 4 stars). 3 submissions from 3 submitters: Benign (2). 1 of the submissions does not count toward it. Last evaluated 2018-07-09.

Conditions:
NXF5-related disorder. Also called: NXF5-related condition.

Allele frequency attached by ClinVar (database versions not stated): gnomAD exomes 0.01029 and 0.02357; ExAC 0.02750; gnomAD 0.05452 and 0.05744; ESP Exome Variant Server 0.05482; TOPMed 0.06738; 1000 Genomes Project 0.07682; 1000 Genomes Project 30x 0.07700.

Submissions (3):

GeneDx
Classification: Benign. Last evaluated: 2018-07-09. Review status: criteria provided, single submitter. Criteria: GeneDx Variant Classification Process June 2021. Collection method: clinical testing. Allele origin: germline. Affected: yes.

Breakthrough Genomics
Classification: Benign. Review status: criteria provided, single submitter. Criteria: ACMG Guidelines, 2015. Collection method: not provided. Allele origin: germline. Inheritance: Unknown mechanism. Affected: yes.

PreventionGenetics, part of Exact Sciences
Classification: Benign for NXF5-related condition. Last evaluated: 2019-10-31. Review status: no assertion criteria provided. Collection method: clinical testing. Allele origin: germline. Not counted in ClinVar's aggregate classification.
Comment: This variant is classified as benign based on ACMG/AMP sequence variant interpretation guidelines (Richards et al. 2015 PMID: 25741868, with internal and published modifications).

NR_028089.1(NXF5):n.1103G>A

Gene: NXF5 (nuclear RNA export factor 5; minus strand). Cytogenetic location: Xq22.1.
Variant type: single nucleotide variant.
Molecular consequence: non-coding transcript variant (on NR_028089.1).
Genome position: GRCh38 VCF-style: chrX-101838403-C-T. GRCh37 (hg19) VCF-style: chrX-101093375-C-T.
Other names: NM_032946.1:c.743G>A; NM_032946.2:c.743G>A.
Identifiers: ClinVar variation 1289138 (VCV001289138.5), dbSNP rs78244611, ClinGen allele CA10474557.
Genomic context (GRCh38, chrX:101,838,403, plus strand): 5'-TTGCAGGGTTTCATTGTCTCAGAGCTGTCAATGTCAACAATCACTGGTGCGGATAACTCT[C>T]GGCCGTCCTGGAGAAGGAAAGAGGAAGTCAGCAGTGGAGACCAAGGAGGTGGAGCTGGAT-3'